The following is an entry in ClinVar:

ClinVar aggregate classification (germline): Likely pathogenic (1 of 4 stars; one submission).

Allele frequency attached by ClinVar (database versions not stated): gnomAD exomes below 0.00001; TOPMed below 0.00001 and 0.00001.
gnomAD v4.1: 2 of 1,612,778 alleles (0.00012%); highest among the groups gnomAD compares: Non-Finnish European, 0.00017%; no homozygotes.

Submission:

GeneDx
Classification: Likely pathogenic. Last evaluated: 2016-11-23. Review status: criteria provided, single submitter. Criteria: GeneDx Variant Classification (06012015). Collection method: clinical testing. Allele origin: germline. Affected: yes.
Comment: The c.1052-2A>C variant in the MMP13 gene has not been reported previously as a pathogenic variant, nor as a benign variant, to our knowledge. This splice site variant destroys the canonical splice acceptor site in intron 7. It is predicted to cause abnormal gene splicing, either leading to an abnormal message that is subject to nonsense-mediated mRNA decay, or to an abnormal protein product if the message is used for protein translation. The c.1052-2A>C variant was not observed in approximately 6500 individuals of European and African American ancestry in the NHLBI Exome Sequencing Project, indicating it is not a common benign variant in these populations. We interpret c.1052-2A>C as a likely pathogenic variant.

NM_002427.4(MMP13):c.1052-2A>C

Gene: MMP13 (matrix metallopeptidase 13; minus strand). Cytogenetic location: 11q22.2.
Variant type: single nucleotide variant.
Coding change: c.1052-2A>C on transcript NM_002427.4 (MANE Select); the canonical splice acceptor site of the intron before coding-DNA position 1052, A replaced by C.
Molecular consequence: splice acceptor variant.
Genome position (GRCh38, 1-based): chr11:102,948,052, T>G on the plus strand (A>C on the coding strand, the complement: MMP13 is on the minus strand). VCF-style: chr11-102948052-T-G. GRCh37 (hg19) VCF-style: chr11-102818781-T-G.
Identifiers: ClinVar variation 373391 (VCV000373391.2), dbSNP rs1057518391, ClinGen allele CA16042808.